The following is an entry in ClinVar:

ClinVar aggregate classification (germline): Pathogenic (1 of 4 stars; one submission).

Submission:

Labcorp Genetics (formerly Invitae), Labcorp
Classification: Pathogenic. Last evaluated: 2023-08-07. Review status: criteria provided, single submitter. Criteria: Invitae Variant Classification Sherloc (09022015). Collection method: clinical testing. Allele origin: germline.
Comment: This sequence change affects a donor splice site in intron 11 of the OTOF gene. It is expected to disrupt RNA splicing. Variants that disrupt the donor or acceptor splice site typically lead to a loss of protein function (PMID: 16199547), and loss-of-function variants in OTOF are known to be pathogenic (PMID: 18381613, 19250381, 22575033). This variant is not present in population databases (gnomAD no frequency). Disruption of this splice site has been observed in individual(s) with auditory neuropathy (Invitae). In at least one individual the data is consistent with being in trans (on the opposite chromosome) from a pathogenic variant. Algorithms developed to predict the effect of sequence changes on RNA splicing suggest that this variant may disrupt the consensus splice site. For these reasons, this variant has been classified as Pathogenic.

Literature cited by the submitters: PubMed 16199547; PubMed 18381613; PubMed 19250381; PubMed 22575033.

NM_194248.3(OTOF):c.1045+1G>C

Gene: OTOF (otoferlin; minus strand). Cytogenetic location: 2p23.3.
Variant type: single nucleotide variant.
Coding change: c.1045+1G>C on transcript NM_194248.3 (MANE Select); the canonical splice donor site of the intron after coding-DNA position 1045, G replaced by C.
Molecular consequence: splice donor variant.
Genome position (GRCh38, 1-based): chr2:26,489,210, C>G on the plus strand (G>C on the coding strand, the complement: OTOF is on the minus strand). VCF-style: chr2-26489210-C-G. GRCh37 (hg19) VCF-style: chr2-26712078-C-G.
Other names: c.1045+1G>C (NM_001287489.2).
Identifiers: ClinVar variation 2750798 (VCV002750798.3), dbSNP rs1390966485, ClinGen allele CA346138018.
Genomic context (GRCh38, chr2:26,489,210, plus strand): 5'-CGTGCACCACGCTCCCTGAGCCATGCACACCTCGACTGACTGGCCATGCGCAGGTACTCA[C>G]CTGGCTGCGAGTACACGGTTCCCACGTCCATTTTGAAGGAGCCCACCAGGGTGCCACTGC-3'